The following is an entry in ClinVar:

NM_014391.3(ANKRD1):c.551T>C (p.Met184Thr)

Gene: ANKRD1 (ankyrin repeat domain 1; minus strand). Cytogenetic location: 10q23.31.
Variant type: single nucleotide variant.
Coding change: c.551T>C on transcript NM_014391.3 (MANE Select); coding-DNA position 551, T replaced by C.
Protein change: p.Met184Thr; replaces methionine 184 with threonine.
Molecular consequence: missense variant.
Genome position (GRCh38, 1-based): chr10:90,917,733, A>G on the plus strand (T>C on the coding strand, the complement: ANKRD1 is on the minus strand). VCF-style: chr10-90917733-A-G. GRCh37 (hg19) VCF-style: chr10-92677490-A-G.
Other names: short protein forms M184T.
Identifiers: ClinVar variation 647150 (VCV000647150.12), dbSNP rs1589509599, ClinGen allele CA377551280.

ClinVar aggregate classification (germline): Uncertain significance. Review status: criteria provided, multiple submitters, no conflicts (2 of 4 stars). 2 submissions from 2 submitters: Uncertain significance (2). Last evaluated 2023-04-24.

Conditions:
Cardiovascular phenotype. Identifiers: MedGen CN230736.
ANKRD1-related dilated cardiomyopathy. Identifiers: MedGen CN119551.

Allele frequency attached by ClinVar (database versions not stated): TOPMed below 0.00001; gnomAD exomes 0.00001.

Submissions (2):

Ambry Genetics
Classification: Uncertain significance for Cardiovascular phenotype. Last evaluated: 2023-04-24. Review status: criteria provided, single submitter. Criteria: Ambry Variant Classification Scheme 2023. Collection method: clinical testing. Allele origin: germline.
Comment: The p.M184T variant (also known as c.551T>C), located in coding exon 5 of the ANKRD1 gene, results from a T to C substitution at nucleotide position 551. The methionine at codon 184 is replaced by threonine, an amino acid with similar properties. This amino acid position is well conserved in available vertebrate species. In addition, the in silico prediction for this alteration is inconclusive. The evidence for this gene-disease relationship is limited; therefore, the clinical significance of this alteration is unclear.

Labcorp Genetics (formerly Invitae), Labcorp
Classification: Uncertain significance for ANKRD1-related dilated cardiomyopathy. Last evaluated: 2022-01-15. Review status: criteria provided, single submitter. Criteria: Invitae Variant Classification Sherloc (09022015). Collection method: clinical testing. Allele origin: germline.
Comment: In summary, the available evidence is currently insufficient to determine the role of this variant in disease. Therefore, it has been classified as a Variant of Uncertain Significance. Algorithms developed to predict the effect of missense changes on protein structure and function are either unavailable or do not agree on the potential impact of this missense change (SIFT: "Tolerated"; PolyPhen-2: "Possibly Damaging"; Align-GVGD: "Class C0"). ClinVar contains an entry for this variant (Variation ID: 647150). This variant has not been reported in the literature in individuals affected with ANKRD1-related conditions. This variant is not present in population databases (gnomAD no frequency). This sequence change replaces methionine, which is neutral and non-polar, with threonine, which is neutral and polar, at codon 184 of the ANKRD1 protein (p.Met184Thr).